The following is an entry in ClinVar:

ClinVar aggregate classification (germline): Likely benign (1 of 4 stars; one submission).

gnomAD v4.1: 1 of 1,614,030 alleles (0.000062%); highest among the groups gnomAD compares: Non-Finnish European, 0.000085%; no homozygotes.

Submission:

CeGaT Center for Human Genetics Tuebingen
Classification: Likely benign. Last evaluated: 2024-07-01. Review status: criteria provided, single submitter. Criteria: CeGaT Center For Human Genetics Tuebingen Variant Classification Criteria Version 2. Collection method: clinical testing. Allele origin: germline. Affected: yes. Observed: 1 variant allele.
Comment: STAG3: BP4, BP7

NM_001282717.2(STAG3):c.3525C>T (p.Ser1175=)

Gene: STAG3 (STAG3 cohesin complex component; plus strand). Cytogenetic location: 7q22.1.
Variant type: single nucleotide variant.
Coding change: c.3525C>T on transcript NM_001282717.2 (MANE Select); coding-DNA position 3525, C replaced by T.
Protein change: p.Ser1175=; no amino-acid change (serine 1175 retained).
Molecular consequence: synonymous variant. On other transcripts: non-coding transcript variant (2).
Genome position (GRCh38, 1-based): chr7:100,211,801, C>T. VCF-style: chr7-100211801-C-T. GRCh37 (hg19) VCF-style: chr7-99809424-C-T.
Other names: c.3522C>T, p.Ser1174= (NM_001282716.1, NM_012447.4); c.3348C>T, p.Ser1116= (NM_001282718.2); c.3525C>T, p.Ser1175= (NM_001375438.1).
Identifiers: ClinVar variation 3257300 (VCV003257300.17).
Genomic context (GRCh38, chr7:100,211,801, plus strand): 5'-TCAGGGGTCCTCAAAGAACAGTTTGAAAAGCCAGTCTCTTTGCCCCTACATCAGACTCAG[C>T]CTTATGGAAGAGGACGAGGAAGAAGAGTTAGAAATCCAGGATGAGTCAAATGAAGAACGG-3'
Protein context (NP_001269646.1, residues 1165-1185): PGLGNQLMRL[Ser1175=]LMEEDEEEEL